The following is an entry in ClinVar:

ClinVar aggregate classification (germline): Uncertain significance (1 of 4 stars; one submission).

Conditions:
Acromesomelic dysplasia 3 (AMD3). Also called: CHONDRODYSPLASIA, ACROMESOMELIC, WITH OR WITHOUT GENITAL ANOMALIES; Acromesomelic dysplasia, Demirhan type. Identifiers: MedGen C4225404, MONDO:0012274, OMIM 609441.
Type A2 brachydactyly (BDA2). Also called: Brachymesophalangy type 2; MOHR-WRIEDT TYPE BRACHYDACTYLY; BRACHYMESOPHALANGY II. Identifiers: Orphanet 93396, MedGen C1832702, MONDO:0007216, OMIM 112600, HP:0009372.

gnomAD v4.1: 1 of 1,544,384 alleles (0.000065%); highest among the groups gnomAD compares: Non-Finnish European, 0.000088%; no homozygotes.

Submission:

Labcorp Genetics (formerly Invitae), Labcorp
Classification: Uncertain significance for Type A2 brachydactyly; Acromesomelic dysplasia 3. Last evaluated: 2025-05-24. Review status: criteria provided, single submitter. Criteria: Invitae Variant Classification Sherloc (09022015). Collection method: clinical testing. Allele origin: germline.
Comment: This sequence change replaces isoleucine, which is neutral and non-polar, with methionine, which is neutral and non-polar, at codon 419 of the BMPR1B protein (p.Ile419Met). This variant is not present in population databases (gnomAD no frequency). This variant has not been reported in the literature in individuals affected with BMPR1B-related conditions. Invitae Evidence Modeling of protein sequence and biophysical properties (such as structural, functional, and spatial information, amino acid conservation, physicochemical variation, residue mobility, and thermodynamic stability) indicates that this missense variant is not expected to disrupt BMPR1B protein function with a negative predictive value of 80%. In summary, the available evidence is currently insufficient to determine the role of this variant in disease. Therefore, it has been classified as a Variant of Uncertain Significance.

NM_001203.3(BMPR1B):c.1257A>G (p.Ile419Met)

Gene: BMPR1B (bone morphogenetic protein receptor type 1B; plus strand). Cytogenetic location: 4q22.3.
Variant type: single nucleotide variant.
Coding change: c.1257A>G on transcript NM_001203.3 (MANE Select); coding-DNA position 1257, A replaced by G.
Protein change: p.Ile419Met; replaces isoleucine 419 with methionine.
Molecular consequence: missense variant.
Genome position (GRCh38, 1-based): chr4:95,152,647, A>G. VCF-style: chr4-95152647-A-G. GRCh37 (hg19) VCF-style: chr4-96073798-A-G.
Other names: c.1257A>G, p.Ile419Met (NM_001256792.2, NM_001256794.1); c.1347A>G, p.Ile449Met (NM_001256793.2); short protein forms I419M, I449M.
Identifiers: ClinVar variation 4793623 (VCV004793623.1).
Genomic context (GRCh38, chr4:95,152,647, plus strand): 5'-TTTCTACTTCACAGAAAATAATAATAATAATAATAATAGTAACAACATATTTTTAGGTAT[A>G]GTGGAAGAATACCAGCTTCCTTATCATGACCTAGTGCCCAGTGACCCCTCTTATGAGGAC-3'
Protein context (NP_001194.1, residues 409-429): EVARRCVSGG[Ile419Met]VEEYQLPYHD